The following is an entry in ClinVar:

NM_000443.4(ABCB4):c.79A>G (p.Ser27Gly)

Gene: ABCB4 (ATP binding cassette subfamily B member 4; minus strand). Cytogenetic location: 7q21.12.
Variant type: single nucleotide variant.
Coding change: c.79A>G on transcript NM_000443.4 (MANE Select); coding-DNA position 79, A replaced by G.
Protein change: p.Ser27Gly; replaces serine 27 with glycine.
Molecular consequence: missense variant.
Genome position (GRCh38, 1-based): chr7:87,475,387, T>C on the plus strand (A>G on the coding strand, the complement: ABCB4 is on the minus strand). VCF-style: chr7-87475387-T-C. GRCh37 (hg19) VCF-style: chr7-87104703-T-C.
Other names: c.79A>G, p.Ser27Gly (NM_018849.3, NM_018850.3); short protein forms S27G.
Identifiers: ClinVar variation 596530 (VCV000596530.7), dbSNP rs1563012148, ClinGen allele CA368059590.

ClinVar aggregate classification (germline): Pathogenic/Likely pathogenic. Review status: criteria provided, multiple submitters, no conflicts (2 of 4 stars). 3 submissions from 3 submitters: Pathogenic (1); Likely pathogenic (2). Last evaluated 2026-04-14.

Conditions:
Familial intrahepatic cholestasis. Identifiers: Orphanet 284385, MedGen CN296401, MONDO:0017290.
Progressive familial intrahepatic cholestasis type 3. Also called: Low Gamma-GT Familial Intrahepatic Cholestasis; MDR3 DEFICIENCY. Identifiers: Orphanet 79305, MedGen C1865643, MONDO:0011214, OMIM 602347.

Submissions (3):

Genomenon, Inc
Classification: Pathogenic for Familial intrahepatic cholestasis. Last evaluated: 2026-04-14. Review status: criteria provided, single submitter. Criteria: Genomenon Sequence Variant Interpretation Standards - Updated. Collection method: curation. Allele origin: germline. Affected: yes.
Comment: ABCB4 p.Ser27Gly (c.79A>G) is a missense variant that changes the amino acid at residue 27 from Serine to Glycine. This variant has been observed in at least one proband with an ABCB4-related disorder (PMID:29761167;11313315;21638239). It has been observed in trans with a pathogenic or likely pathogenic variant (PMID:21638239). The variant was found to segregate with disease in at least one affected family (PMID:29761167;11313315). It is absent or not present at a significant frequency in gnomAD. In silico models predict that this variant is possibly or probably damaging. In conclusion, we classify ABCB4 p.Ser27Gly (c.79A>G) as a pathogenic variant.

3billion
Classification: Likely pathogenic for Progressive familial intrahepatic cholestasis type 3. Last evaluated: 2025-03-21. Review status: criteria provided, single submitter. Criteria: ACMG Guidelines, 2015. Collection method: clinical testing. Allele origin: germline. Affected: yes.

Eurofins Ntd Llc (ga)
Classification: Likely pathogenic. Last evaluated: 2018-03-19. Review status: criteria provided, single submitter. Criteria: EGL ClinVar v180209 classification definitions. Collection method: clinical testing. Allele origin: germline. Observed: 1 variant allele, 1 heterozygote.

Literature cited by the submitters: PubMed 29761167 (cited by Genomenon, Inc and 3billion); PubMed 11313315 (cited by Genomenon, Inc and Eurofins Ntd Llc (ga)); PubMed 21638239 (cited by 3 submitters).